The following is an entry in ClinVar:

ClinVar aggregate classification (germline): Benign (1 of 4 stars; one submission).

Allele frequency attached by ClinVar (database versions not stated): TOPMed 0.13729; 1000 Genomes Project 30x 0.13773; gnomAD 0.13984 and 0.14264; 1000 Genomes Project 0.14157.
gnomAD v4.1: 158,949 of 983,042 alleles (16%); highest among the groups gnomAD compares: South Asian, 19%; 13,575 homozygotes.

Submission:

GeneDx
Classification: Benign. Last evaluated: 2018-06-16. Review status: criteria provided, single submitter. Criteria: GeneDx Variant Classification (06012015). Collection method: clinical testing. Allele origin: germline. Affected: yes.
Comment: This variant is considered likely benign or benign based on one or more of the following criteria: it is a conservative change, it occurs at a poorly conserved position in the protein, it is predicted to be benign by multiple in silico algorithms, and/or has population frequency not consistent with disease.

NM_007347.5(AP4E1):c.1851+131T>G

Gene: AP4E1 (adaptor related protein complex 4 subunit epsilon 1; plus strand). Cytogenetic location: 15q21.2.
Variant type: single nucleotide variant.
Coding change: c.1851+131T>G on transcript NM_007347.5 (MANE Select); 131 bases into the intron after coding-DNA position 1851, T replaced by G.
Molecular consequence: intron variant.
Genome position (GRCh38, 1-based): chr15:50,958,925, T>G. VCF-style: chr15-50958925-T-G. GRCh37 (hg19) VCF-style: chr15-51251122-T-G.
Other names: c.1626+131T>G (NM_001252127.2).
Identifiers: ClinVar variation 680064 (VCV000680064.1), dbSNP rs16953045, ClinGen allele CA15848823.